The following is an entry in ClinVar:

NM_000551.4(VHL):c.168C>G (p.Ala56=)

Gene: VHL (von Hippel-Lindau tumor suppressor; plus strand). Cytogenetic location: 3p25.3.
Variant type: single nucleotide variant.
Coding change: c.168C>G on transcript NM_000551.4 (MANE Select); coding-DNA position 168, C replaced by G.
Protein change: p.Ala56=; no amino-acid change (alanine 56 retained).
Molecular consequence: synonymous variant.
Genome position (GRCh38, 1-based): chr3:10,142,015, C>G. VCF-style: chr3-10142015-C-G. GRCh37 (hg19) VCF-style: chr3-10183699-C-G.
Other names: c.168C>G, p.Ala56= (NM_001354723.2, NM_198156.3).
Identifiers: ClinVar variation 220989 (VCV000220989.11), dbSNP rs864622714, ClinGen allele CA348969.

ClinVar aggregate classification (germline): Benign/Likely benign. Review status: criteria provided, multiple submitters, no conflicts (2 of 4 stars). 4 submissions from 4 submitters: Benign (1); Likely benign (3). Last evaluated 2025-06-30.

Conditions:
Von Hippel-Lindau syndrome (VHLS). Also called: Von Hippel-Lindau; von Hippel–Lindau syndrome; VHL syndrome. Identifiers: Orphanet 892, MedGen C0019562, MONDO:0008667, OMIM 193300. Disease mechanism: loss of function.
Chuvash polycythemia. Also called: POLYCYTHEMIA, VHL-DEPENDENT. Identifiers: Orphanet 238557, MedGen C1837915, MONDO:0009892, OMIM 263400.
Hereditary cancer-predisposing syndrome. Also called: Tumor predisposition; Hereditary neoplastic syndrome; Neoplastic Syndromes, Hereditary; Hereditary Cancer Syndrome. Identifiers: Orphanet 140162, MedGen C0027672, MeSH D009386, MONDO:0015356.

Allele frequency attached by ClinVar (database versions not stated): gnomAD exomes below 0.00001; TOPMed below 0.00001.
gnomAD v4.1: 7 of 1,589,920 alleles (0.00044%); highest among the groups gnomAD compares: Admixed American, 0.0018%; no homozygotes.

Submissions (4):

Labcorp Genetics (formerly Invitae), Labcorp
Classification: Likely benign for Von Hippel-Lindau syndrome; Chuvash polycythemia. Last evaluated: 2025-06-30. Review status: criteria provided, single submitter. Criteria: Invitae Variant Classification Sherloc (09022015). Collection method: clinical testing. Allele origin: germline.

Myriad Genetics, Inc.
Classification: Benign for Von Hippel-Lindau syndrome. Last evaluated: 2025-06-10. Review status: criteria provided, single submitter. Criteria: Myriad Autosomal Dominant, Autosomal Recessive and X-Linked Classification Criteria (2023). Collection method: clinical testing. Allele origin: unknown.
Comment: This variant is considered benign. This variant is a silent/synonymous amino acid change and it is not expected to impact splicing.

Ambry Genetics
Classification: Likely benign for Hereditary cancer-predisposing syndrome. Last evaluated: 2024-02-02. Review status: criteria provided, single submitter. Criteria: Ambry Variant Classification Scheme 2023. Collection method: clinical testing. Allele origin: germline.

GeneDx
Classification: Likely benign. Last evaluated: 2017-05-08. Review status: criteria provided, single submitter. Criteria: GeneDx Variant Classification (06012015). Collection method: clinical testing. Allele origin: germline. Affected: yes.
Comment: This variant is considered likely benign or benign based on one or more of the following criteria: it is a conservative change, it occurs at a poorly conserved position in the protein, it is predicted to be benign by multiple in silico algorithms, and/or has population frequency not consistent with disease.